The following is an entry in ClinVar:

ClinVar aggregate classification (germline): Conflicting classifications of pathogenicity. Review status: criteria provided, conflicting classifications (1 of 4 stars). 2 submissions from 2 submitters: Uncertain significance (1); Likely benign (1). Last evaluated 2023-03-23.

Conditions:
Hereditary cancer-predisposing syndrome. Also called: Hereditary neoplastic syndrome; Neoplastic Syndromes, Hereditary; Hereditary Cancer Syndrome; Tumor predisposition. Identifiers: Orphanet 140162, MedGen C0027672, MeSH D009386, MONDO:0015356.
Hereditary breast ovarian cancer syndrome. Also called: BRCA1- and BRCA2-Associated Hereditary Breast and Ovarian Cancer; Hereditary breast and ovarian cancer syndrome; Hereditary breast and ovarian cancer syndrome (HBOC); Hereditary breast and/or ovarian cancer syndrome; Breast and ovarian cancer; Hereditary breast and ovarian cancer. Identifiers: Orphanet 145, MedGen C0677776, MeSH D061325, MONDO:0003582. Disease mechanism: loss of function.

gnomAD v4.1: 1 of 1,582,308 alleles (0.000063%); highest among the groups gnomAD compares: Non-Finnish European, 0.000086%; no homozygotes.

Submissions (2):

University of Washington Department of Laboratory Medicine, University of Washington
Classification: Likely benign for Hereditary cancer-predisposing syndrome. Last evaluated: 2023-03-23. Review status: criteria provided, single submitter. Criteria: Dines et al. (Genet Med. 2020). Collection method: curation. Allele origin: germline.
Comment: Missense variant in a coldspot region where missense variants are very unlikely to be pathogenic (PMID:31911673).

BRCA2 exon 11 coldspot. Reclassification based on statistical prior probability.

Labcorp Genetics (formerly Invitae), Labcorp
Classification: Uncertain significance for Hereditary breast ovarian cancer syndrome. Last evaluated: 2020-01-17. Review status: criteria provided, single submitter. Criteria: Invitae Variant Classification Sherloc (09022015). Collection method: clinical testing. Allele origin: germline.
Comment: In summary, the available evidence is currently insufficient to determine the role of this variant in disease. Therefore, it has been classified as a Variant of Uncertain Significance. Algorithms developed to predict the effect of missense changes on protein structure and function output the following: SIFT: "Tolerated"; PolyPhen-2: "Benign"; Align-GVGD: "Class C0". The isoleucine amino acid residue is found in multiple mammalian species, suggesting that this missense change does not adversely affect protein function. These predictions have not been confirmed by published functional studies and their clinical significance is uncertain. This variant has not been reported in the literature in individuals with BRCA2-related disease. This variant is not present in population databases (ExAC no frequency). This sequence change replaces threonine with isoleucine at codon 1317 of the BRCA2 protein (p.Thr1317Ile). The threonine residue is weakly conserved and there is a moderate physicochemical difference between threonine and isoleucine.

NM_000059.4(BRCA2):c.3950C>T (p.Thr1317Ile)

Gene: BRCA2 (BRCA2 DNA repair associated; plus strand). Cytogenetic location: 13q13.1.
Variant type: single nucleotide variant.
Coding change: c.3950C>T on transcript NM_000059.4 (MANE Select); coding-DNA position 3950, C replaced by T.
Protein change: p.Thr1317Ile; replaces threonine 1317 with isoleucine.
Molecular consequence: missense variant.
Genome position (GRCh38, 1-based): chr13:32,338,305, C>T. VCF-style: chr13-32338305-C-T. GRCh37 (hg19) VCF-style: chr13-32912442-C-T.
Other names: short protein forms T1317I.
Identifiers: ClinVar variation 658906 (VCV000658906.10), dbSNP rs1593901002, ClinGen allele CA387778892.